The following is an entry in ClinVar:

ClinVar aggregate classification (germline): Conflicting classifications of pathogenicity. Review status: criteria provided, conflicting classifications (1 of 4 stars). 6 submissions from 6 submitters: Uncertain significance (5); Likely benign (1). Last evaluated 2025-10-18.

Conditions:
Hereditary cancer-predisposing syndrome. Also called: Neoplastic Syndromes, Hereditary; Tumor predisposition; Hereditary Cancer Syndrome; Hereditary neoplastic syndrome. Identifiers: Orphanet 140162, MedGen C0027672, MeSH D009386, MONDO:0015356.
Hereditary breast ovarian cancer syndrome. Also called: Hereditary breast and ovarian cancer; Hereditary breast and/or ovarian cancer syndrome; BRCA1- and BRCA2-Associated Hereditary Breast and Ovarian Cancer; Hereditary breast and ovarian cancer syndrome (HBOC); Hereditary breast and ovarian cancer syndrome; Breast and ovarian cancer. Identifiers: Orphanet 145, MedGen C0677776, MeSH D061325, MONDO:0003582. Disease mechanism: loss of function.
Nijmegen breakage syndrome-like disorder (NBSLD). Also called: MICROCEPHALY AND SPONTANEOUS CHROMOSOME INSTABILITY WITHOUT IMMUNODEFICIENCY; NBS-LIKE DISORDER; RAD50 DEFICIENCY. Identifiers: Orphanet 240760, MedGen C2751318, MONDO:0013118, OMIM 613078.

Allele frequency attached by ClinVar (database versions not stated): TOPMed 0.00001; gnomAD 0.00001 and 0.00004; gnomAD exomes 0.00005 and 0.00008; ExAC 0.00011; 1000 Genomes Project 30x 0.00016; 1000 Genomes Project 0.00020.
gnomAD v4.1: 115 of 1,609,376 alleles (0.0071%); highest among the groups gnomAD compares: East Asian, 0.25%; 2 homozygotes.

Submissions (6):

Labcorp Genetics (formerly Invitae), Labcorp
Classification: Uncertain significance for Hereditary cancer-predisposing syndrome. Last evaluated: 2025-10-18. Review status: criteria provided, single submitter. Criteria: Invitae Variant Classification Sherloc (09022015). Collection method: clinical testing. Allele origin: germline.
Comment: This sequence change replaces glutamine, which is neutral and polar, with glutamic acid, which is acidic and polar, at codon 737 of the RAD50 protein (p.Gln737Glu). This variant is present in population databases (rs549559726, gnomAD 0.07%). This missense change has been observed in individual(s) with biliary tract cancer and/or pancreatic cancer (PMID: 31666926, 36135357). ClinVar contains an entry for this variant (Variation ID: 187622). An algorithm developed to predict the effect of missense changes on protein structure and function (PolyPhen-2) suggests that this variant is likely to be tolerated. In summary, the available evidence is currently insufficient to determine the role of this variant in disease. Therefore, it has been classified as a Variant of Uncertain Significance.

Women's Health and Genetics/Laboratory Corporation of America, LabCorp
Classification: Uncertain significance. Last evaluated: 2025-02-13. Review status: criteria provided, single submitter. Criteria: LabCorp Variant Classification Summary - May 2015. Collection method: clinical testing. Allele origin: germline.
Comment: Variant summary: RAD50 c.2209C>G (p.Gln737Glu) results in a conservative amino acid change in the encoded protein sequence. Four of five in-silico tools predict a benign effect of the variant on protein function. Consensus agreement among computation tools predict no significant impact on normal splicing. However, these predictions have yet to be confirmed by functional studies. The variant allele was found at a frequency of 5.3e-05 in 247246 control chromosomes, predominantly at a frequency of 0.00071 within the East Asian subpopulation in the gnomAD database. This frequency is not significantly higher than estimated for a pathogenic variant in RAD50 causing Nijmegen Breakage Syndrome-Like Disorder (5.3e-05 vs 0.0024), allowing no conclusion about variant significance. c.2209C>G has been reported in the literature in an individual affected with biliary tract carcinoma (BTC) (example, Terashima_2019). These report(s) do not provide unequivocal conclusions about association of the variant with Nijmegen Breakage Syndrome-Like Disorder/RAD50-associated cancers. To our knowledge, no experimental evidence demonstrating an impact on protein function has been reported. The following publication have been ascertained in the context of this evaluation (PMID: 31666926). ClinVar contains an entry for this variant (Variation ID: 187622). Based on the evidence outlined above, the variant was classified as uncertain significance.

Ambry Genetics
Classification: Likely benign for Hereditary cancer-predisposing syndrome. Last evaluated: 2024-09-26. Review status: criteria provided, single submitter. Criteria: Ambry Variant Classification Scheme 2023. Collection method: clinical testing. Allele origin: germline.

Quest Diagnostics Nichols Institute San Juan Capistrano
Classification: Uncertain significance. Last evaluated: 2023-11-14. Review status: criteria provided, single submitter. Criteria: Quest Diagnostics criteria. Collection method: clinical testing. Allele origin: unknown.
Comment: The RAD50 c.2209C>G (p.Gln737Glu) variant has been reported in the published literature in individuals affected with pancreatic cancer (PMID: 36135357 (2022)), ovarian cancer (PMID: 32019284 (2020)), and bilary tract cancer (PMID: 31666926 (2019)). The frequency of this variant in the general population, 0.00071 (13/18184 chromosomes in East Asian subpopulation (Genome Aggregation Database)), is higher than would generally be expected for pathogenic variants in this gene. Analysis of this variant using bioinformatics tools for the prediction of the effect of amino acid changes on protein structure and function yielded conflicting predictions that this variant is deleterious or benign. Based on the available information, we are unable to determine the clinical significance of this variant.

Cancer Genomics Group, Japanese Foundation For Cancer Research
Classification: Uncertain significance for Hereditary breast and ovarian cancer syndrome. Last evaluated: 2019-05-01. Review status: criteria provided, single submitter. Criteria: ACMG Guidelines, 2015. Collection method: research. Allele origin: germline. Affected: yes.

Fulgent Genetics
Classification: Uncertain significance for Nijmegen breakage syndrome-like disorder. Last evaluated: 2018-10-31. Review status: criteria provided, single submitter. Criteria: ACMG Guidelines, 2015. Collection method: clinical testing. Allele origin: unknown.

Literature cited by the submitters: PubMed 31666926 (cited by 4 submitters); PubMed 36135357 (cited by Labcorp Genetics (formerly Invitae), Labcorp and Quest Diagnostics Nichols Institute San Juan Capistrano); PubMed 29338689 (cited by Ambry Genetics); PubMed 32019284 (cited by Ambry Genetics and Quest Diagnostics Nichols Institute San Juan Capistrano); PubMed 31911633 (cited by Quest Diagnostics Nichols Institute San Juan Capistrano).

NM_005732.4(RAD50):c.2209C>G (p.Gln737Glu)

Gene: RAD50 (RAD50 double strand break repair protein; plus strand). Cytogenetic location: 5q31.1.
Variant type: single nucleotide variant.
Coding change: c.2209C>G on transcript NM_005732.4 (MANE Select); coding-DNA position 2209, C replaced by G.
Protein change: p.Gln737Glu; replaces glutamine 737 with glutamic acid.
Molecular consequence: missense variant.
Genome position (GRCh38, 1-based): chr5:132,603,301, C>G. VCF-style: chr5-132603301-C-G. GRCh37 (hg19) VCF-style: chr5-131938993-C-G.
Other names: short protein forms Q737E.
Identifiers: ClinVar variation 187622 (VCV000187622.25), dbSNP rs549559726, ClinGen allele CA198118.